The following is an entry in ClinVar:

NM_020297.4(ABCC9):c.4512+700C>G

Genes: ABCC9 (ATP binding cassette subfamily C member 9; minus strand), KCNJ8-AS1 (KCNJ8 antisense RNA 1; plus strand). Cytogenetic location: 12p12.1.
Variant type: single nucleotide variant.
Coding change: c.4512+700C>G on transcript NM_020297.4 (MANE Select); 700 bases into the intron after coding-DNA position 4512, C replaced by G.
Molecular consequence: intron variant. On other transcripts: missense variant (1).
Genome position (GRCh38, 1-based): chr12:21,805,298, G>C on the plus strand (C>G on the coding strand, the complement: ABCC9 is on the minus strand). VCF-style: chr12-21805298-G-C. GRCh37 (hg19) VCF-style: chr12-21958232-G-C.
Other names: c.4526C>G, p.Ser1509Cys (NM_005691.4); c.3645+700C>G (NM_001377274.1); c.4512+700C>G (NM_001377273.1); short protein forms S1509C.
Identifiers: ClinVar variation 3718567 (VCV003718567.2).

ClinVar aggregate classification (germline): Uncertain significance (1 of 4 stars; one submission).

Conditions:
Dilated cardiomyopathy 1O (CMD1O). Also called: CARDIOMYOPATHY, DILATED, WITH VENTRICULAR TACHYCARDIA. Identifiers: Orphanet 154, MedGen C1837839, MONDO:0012062, OMIM 608569.

Submission:

Labcorp Genetics (formerly Invitae), Labcorp
Classification: Uncertain significance for Dilated cardiomyopathy 1O. Last evaluated: 2024-10-30. Review status: criteria provided, single submitter. Criteria: Invitae Variant Classification Sherloc (09022015). Collection method: clinical testing. Allele origin: germline.
Comment: This sequence change replaces serine, which is neutral and polar, with cysteine, which is neutral and slightly polar, at codon 1509 of the ABCC9 protein (p.Ser1509Cys). This variant is not present in population databases (gnomAD no frequency). This variant has not been reported in the literature in individuals affected with ABCC9-related conditions. Invitae Evidence Modeling of protein sequence and biophysical properties (such as structural, functional, and spatial information, amino acid conservation, physicochemical variation, residue mobility, and thermodynamic stability) indicates that this missense variant is not expected to disrupt ABCC9 protein function with a negative predictive value of 95%. In summary, the available evidence is currently insufficient to determine the role of this variant in disease. Therefore, it has been classified as a Variant of Uncertain Significance.